The following is an entry in ClinVar:

ClinVar aggregate classification (germline): Uncertain significance (1 of 4 stars; one submission).

gnomAD v4.1: 4 of 1,501,064 alleles (0.00027%); highest among the groups gnomAD compares: Non-Finnish European, 0.00035%; no homozygotes.

Submission:

GeneDx
Classification: Uncertain significance. Last evaluated: 2022-03-22. Review status: criteria provided, single submitter. Criteria: GeneDx Variant Classification Process June 2021. Collection method: clinical testing. Allele origin: germline. Affected: yes.
Comment: Not observed in large population cohorts (gnomAD); In silico analysis supports that this variant does not alter splicing; Has not been previously published as pathogenic or benign to our knowledge

NM_031475.3(ESPN):c.853C>T (p.Leu285=)

Gene: ESPN (espin; plus strand). Cytogenetic location: 1p36.31.
Variant type: single nucleotide variant.
Coding change: c.853C>T on transcript NM_031475.3 (MANE Select); coding-DNA position 853, C replaced by T.
Protein change: p.Leu285=; no amino-acid change (leucine 285 retained).
Molecular consequence: synonymous variant.
Genome position (GRCh38, 1-based): chr1:6,440,803, C>T. VCF-style: chr1-6440803-C-T. GRCh37 (hg19) VCF-style: chr1-6500863-C-T.
Other names: c.853C>T, p.Leu285= (NM_001367473.1, NM_001367474.1).
Identifiers: ClinVar variation 1526380 (VCV001526380.2), dbSNP rs2148519258, ClinGen allele CA415828999.